The following is an entry in ClinVar:

NM_007254.4(PNKP):c.1018G>C (p.Ala340Pro)

Gene: PNKP (polynucleotide kinase 3'-phosphatase; minus strand). Cytogenetic location: 19q13.33.
Variant type: single nucleotide variant.
Coding change: c.1018G>C on transcript NM_007254.4 (MANE Select); coding-DNA position 1018, G replaced by C.
Protein change: p.Ala340Pro; replaces alanine 340 with proline.
Molecular consequence: missense variant.
Genome position (GRCh38, 1-based): chr19:49,862,382, C>G on the plus strand (G>C on the coding strand, the complement: PNKP is on the minus strand). VCF-style: chr19-49862382-C-G. GRCh37 (hg19) VCF-style: chr19-50365639-C-G.
Other names: short protein forms A340P.
Identifiers: ClinVar variation 1463120 (VCV001463120.6), dbSNP rs1194802183, ClinGen allele CA406880641.

ClinVar aggregate classification (germline): Uncertain significance (1 of 4 stars; one submission).

Conditions:
Developmental and epileptic encephalopathy, 12 (DEE12). Identifiers: MedGen C3150988, MONDO:0013389, OMIM 613722.

Allele frequency attached by ClinVar (database versions not stated): gnomAD exomes 0.00001; TOPMed 0.00001.

Submission:

Labcorp Genetics (formerly Invitae), Labcorp
Classification: Uncertain significance for Developmental and epileptic encephalopathy, 12. Last evaluated: 2021-10-18. Review status: criteria provided, single submitter. Criteria: Invitae Variant Classification Sherloc (09022015). Collection method: clinical testing. Allele origin: germline.
Comment: In summary, the available evidence is currently insufficient to determine the role of this variant in disease. Therefore, it has been classified as a Variant of Uncertain Significance. This sequence change replaces alanine with proline at codon 340 of the PNKP protein (p.Ala340Pro). The alanine residue is moderately conserved and there is a small physicochemical difference between alanine and proline. This variant has not been reported in the literature in individuals affected with PNKP-related conditions. Algorithms developed to predict the effect of missense changes on protein structure and function (SIFT, PolyPhen-2, Align-GVGD) all suggest that this variant is likely to be tolerated. This variant is not present in population databases (ExAC no frequency).